The following is an entry in ClinVar:

ClinVar aggregate classification (germline): Uncertain significance. Review status: criteria provided, multiple submitters, no conflicts (2 of 4 stars). 5 submissions from 5 submitters: Uncertain significance (3). 2 of the submissions do not count toward it. Last evaluated 2025-12-29.

Conditions:
Noonan syndrome with multiple lentigines. Identifiers: Orphanet 500, MedGen C0175704, MONDO:0007893.
RASopathy. Also called: rasopathies; Noonan spectrum disorder. Identifiers: Orphanet 536391, MedGen C5555857, MONDO:0021060.
BRAF-related disorder. Also called: BRAF-related condition.
Cardiofaciocutaneous syndrome 1 (CFC1). Also called: BRAF-Related Cardiofaciocutaneous Syndrome. Identifiers: Orphanet 1340, MedGen CN029449, MONDO:0007265, OMIM 115150. Disease mechanism: gain of function.

Allele frequency attached by ClinVar (database versions not stated): TOPMed below 0.00001; gnomAD exomes 0.00001; 1000 Genomes Project 30x 0.00031.
gnomAD v4.1: 11 of 1,526,764 alleles (0.00072%); highest among the groups gnomAD compares: African/African-American, 0.0028%; no homozygotes.

Submissions (5):

Labcorp Genetics (formerly Invitae), Labcorp
Classification: Uncertain significance for RASopathy. Last evaluated: 2025-12-29. Review status: criteria provided, single submitter. Criteria: Invitae Variant Classification Sherloc (09022015). Collection method: clinical testing. Allele origin: germline.
Comment: This sequence change replaces glycine, which is neutral and non-polar, with aspartic acid, which is acidic and polar, at codon 30 of the BRAF protein (p.Gly30Asp). This variant is present in population databases (no rsID available, gnomAD 0.004%). This variant has not been reported in the literature in individuals affected with BRAF-related conditions. ClinVar contains an entry for this variant (Variation ID: 666414). Invitae Evidence Modeling of protein sequence and biophysical properties (such as structural, functional, and spatial information, amino acid conservation, physicochemical variation, residue mobility, and thermodynamic stability) has been performed for this missense variant. However, the output from this modeling did not meet the statistical confidence thresholds required to predict the impact of this variant on BRAF protein function. In summary, the available evidence is currently insufficient to determine the role of this variant in disease. Therefore, it has been classified as a Variant of Uncertain Significance.

Clinical Genomics Laboratory, Washington University in St. Louis
Classification: Uncertain significance for Cardiofaciocutaneous syndrome 1. Last evaluated: 2024-07-03. Review status: criteria provided, single submitter. Criteria: ACMG Guidelines, 2015. Collection method: clinical testing. Allele origin: germline.
Comment: A BRAF c.89G>A (p.Gly30Asp) variant was identified at a near homozygous allelic fraction of 91.7%, a frequency which may be consistent with germline origin. This variant has been reported in two cancer cases (Kiel C et al., PMID: 24803665; Zhang J et al., PMID: 21680795) and is only observed on 11/1,526,764 alleles in the general population (gnomAD v.4.1.0), indicating it is not a common variant. This variant has been reported in the ClinVar database as a variant of uncertain significance in a germline state by one submitter (Clinvar ID: 666414). The BRAF gene is defined by the ClinGen RASopathy Expert Panel as a gene that has a low rate of benign missense variation and where pathogenic missense variants are a common mechanism of disease (Gelb BD et al., PMID: 29493581). Computational predictors suggest that the variant does not impact BRAF function. Due to limited information, and based on ACMG/AMP guidelines for variant interpretation (Richards S et al., PMID: 25741868), the clinical significance of this variant is uncertain at this time.

Blueprint Genetics
Classification: Uncertain significance. Last evaluated: 2023-07-25. Review status: criteria provided, single submitter. Criteria: ACMG Guidelines, 2015. Collection method: clinical testing. Allele origin: germline.

PreventionGenetics, part of Exact Sciences
Classification: Uncertain significance for BRAF-related condition. Last evaluated: 2024-06-11. Review status: no assertion criteria provided. Collection method: clinical testing. Allele origin: germline. Not counted in ClinVar's aggregate classification.
Comment: The BRAF c.89G>A variant is predicted to result in the amino acid substitution p.Gly30Asp. To our knowledge, this variant has not been reported in the literature. This variant is reported in 0.0045% of alleles in individuals of South Asian descent in gnomAD. At this time, the clinical significance of this variant is uncertain due to the absence of conclusive functional and genetic evidence.

Service de Génétique Moléculaire, Hôpital Robert Debré
Classification: Likely benign for Noonan syndrome with multiple lentigines. Review status: no assertion criteria provided. Collection method: clinical testing. Allele origin: unknown. Affected: yes. Observed: 1 variant allele. Not counted in ClinVar's aggregate classification.

NM_004333.6(BRAF):c.89G>A (p.Gly30Asp)

Gene: BRAF (B-Raf proto-oncogene, serine/threonine kinase; minus strand). Cytogenetic location: 7q34.
Variant type: single nucleotide variant.
Coding change: c.89G>A on transcript NM_004333.6 (MANE Select); coding-DNA position 89, G replaced by A.
Protein change: p.Gly30Asp; replaces glycine 30 with aspartic acid.
Molecular consequence: missense variant.
Genome position (GRCh38, 1-based): chr7:140,924,615, C>T on the plus strand (G>A on the coding strand, the complement: BRAF is on the minus strand). VCF-style: chr7-140924615-C-T. GRCh37 (hg19) VCF-style: chr7-140624415-C-T.
Other names: c.89G>A, p.Gly30Asp (NM_001354609.2, NM_001374244.1, NM_001374258.1); short protein forms G30D.
Identifiers: ClinVar variation 666414 (VCV000666414.13), dbSNP rs1273585752, ClinGen allele CA369590118.